The following is an entry in ClinVar:

ClinVar aggregate classification (germline): Uncertain significance (1 of 4 stars; one submission).

Conditions:
PLXNA2-related disorder. Also called: PLXNA2-related condition.

Allele frequency attached by ClinVar (database versions not stated): TOPMed 0.00013; gnomAD 0.00015; 1000 Genomes Project 0.00040; 1000 Genomes Project 30x 0.00047.
gnomAD v4.1: 79 of 1,613,550 alleles (0.0049%); highest among the groups gnomAD compares: East Asian, 0.051%; no homozygotes.

Submission:

PreventionGenetics, part of Exact Sciences
Classification: Uncertain significance for PLXNA2-related condition. Last evaluated: 2026-08-26. Review status: criteria provided, single submitter. Criteria: ACMG Guidelines, 2015. Collection method: clinical testing. Allele origin: germline.
Comment: The PLXNA2 c.5624G>A variant is predicted to result in the amino acid substitution p.Arg1875Gln. To our knowledge, this variant has not been reported in the literature. This variant is reported in 0.090% of alleles in individuals of East Asian descent in gnomAD, which may be too common to be an undocumented primary cause of disease. Although we suspect that this variant may be benign, at this time, the clinical significance of this variant is uncertain due to the absence of conclusive functional and genetic evidence.

NM_025179.4(PLXNA2):c.5624G>A (p.Arg1875Gln)

Gene: PLXNA2 (plexin A2; minus strand). Cytogenetic location: 1q32.2.
Variant type: single nucleotide variant.
Coding change: c.5624G>A on transcript NM_025179.4 (MANE Select); coding-DNA position 5624, G replaced by A.
Protein change: p.Arg1875Gln; replaces arginine 1875 with glutamine.
Molecular consequence: missense variant.
Genome position (GRCh38, 1-based): chr1:208,027,304, C>T on the plus strand (G>A on the coding strand, the complement: PLXNA2 is on the minus strand). VCF-style: chr1-208027304-C-T. GRCh37 (hg19) VCF-style: chr1-208200649-C-T.
Other names: short protein forms R1875Q.
Identifiers: ClinVar variation 2636031 (VCV002636031.3), dbSNP rs573661376, ClinGen allele CA1372507.
Genomic context (GRCh38, chr1:208,027,304, plus strand): 5'-CAGCTCTCAATGGACATGGCATTAATGAGCTGCTCCACCTTATAAGCCAGCCGCTGCCGC[C>T]GTGCCTGCTCATCCTGCTCTAGGGCCCCGATGAGCTGAGGAGCAAAAACAAAGGCAGGAA-3'
Protein context (NP_079455.3, residues 1865-1885): IGALEQDEQA[Arg1875Gln]RQRLAYKVEQ